The following is an entry in ClinVar:

NM_000089.4(COL1A2):c.3513A>G (p.Pro1171=)

Gene: COL1A2 (collagen type I alpha 2 chain; plus strand). Cytogenetic location: 7q21.3.
Variant type: single nucleotide variant.
Coding change: c.3513A>G on transcript NM_000089.4 (MANE Select); coding-DNA position 3513, A replaced by G.
Protein change: p.Pro1171=; no amino-acid change (proline 1171 retained).
Molecular consequence: synonymous variant.
Genome position (GRCh38, 1-based): chr7:94,427,872, A>G. VCF-style: chr7-94427872-A-G. GRCh37 (hg19) VCF-style: chr7-94057184-A-G.
Identifiers: ClinVar variation 735357 (VCV000735357.19), dbSNP rs936707370, ClinGen allele CA162941311.
Genomic context (GRCh38, chr7:94,427,872, plus strand): 5'-TCCTGAAGGCTCTAGAAAGAACCCAGCTCGCACATGCCGTGACTTGAGACTCAGCCACCC[A>G]GAGTGGAGCAGTGGTAGGTCAAGATGTCCAGACCAGACTGACCCTTCTCACAAGTTGAGC-3'
Protein context (NP_000080.2, residues 1161-1181): RTCRDLRLSH[Pro1171=]EWSSGYYWID

ClinVar aggregate classification (germline): Likely benign. Review status: criteria provided, multiple submitters, no conflicts (2 of 4 stars). 4 submissions from 4 submitters: Likely benign (3). 1 of the submissions does not count toward it. Last evaluated 2025-07-20.

Conditions:
COL1A2-related disorder. Also called: COL1A2-Related Disorders; COL1A2-related condition.
Osteogenesis imperfecta type I (OI1). Also called: OI, TYPE I; OSTEOGENESIS IMPERFECTA TARDA; OSTEOGENESIS IMPERFECTA WITH BLUE SCLERAE; Osteogenesis imperfecta type 1; Classic Non-deforming Osteogenesis Imperfecta with Blue Sclerae; Lobstein's Disease. Identifiers: Orphanet 216796, Orphanet 666, MedGen C0023931, MONDO:0008146, OMIM 166200. Disease mechanism: loss of function.
Ehlers-Danlos syndrome, classic type, 1 (EDSCL1). Also called: EDS I; EHLERS-DANLOS SYNDROME, GRAVIS TYPE; EHLERS-DANLOS SYNDROME, SEVERE CLASSIC TYPE; Ehlers-Danlos Syndrome, Classic Type, COL5A1-Related; Ehlers-Danlos syndrome, type 1. Identifiers: MedGen C0268335, MONDO:0019567, OMIM 130000.
Cardiovascular phenotype. Identifiers: MedGen CN230736.

Allele frequency attached by ClinVar (database versions not stated): gnomAD 0.00003 and 0.00004; gnomAD exomes below 0.00001 and 0.00002; TOPMed 0.00008.
gnomAD v4.1: 11 of 1,614,038 alleles (0.00068%); highest among the groups gnomAD compares: African/African-American, 0.013%; no homozygotes.

Submissions (4):

Labcorp Genetics (formerly Invitae), Labcorp
Classification: Likely benign for Osteogenesis imperfecta type I; Ehlers-Danlos syndrome, classic type, 1. Last evaluated: 2025-07-20. Review status: criteria provided, single submitter. Criteria: Invitae Variant Classification Sherloc (09022015). Collection method: clinical testing. Allele origin: germline.

Ambry Genetics
Classification: Likely benign for Cardiovascular phenotype. Last evaluated: 2021-08-31. Review status: criteria provided, single submitter. Criteria: Ambry Variant Classification Scheme 2023. Collection method: clinical testing. Allele origin: germline.

GeneDx
Classification: Likely benign. Last evaluated: 2019-07-29. Review status: criteria provided, single submitter. Criteria: GeneDx Variant Classification Process June 2021. Collection method: clinical testing. Allele origin: germline. Affected: yes.

PreventionGenetics, part of Exact Sciences
Classification: Likely benign for COL1A2-related condition. Last evaluated: 2019-08-13. Review status: no assertion criteria provided. Collection method: clinical testing. Allele origin: germline. Not counted in ClinVar's aggregate classification.
Comment: This variant is classified as likely benign based on ACMG/AMP sequence variant interpretation guidelines (Richards et al. 2015 PMID: 25741868, with internal and published modifications).